The following is an entry in ClinVar:

ClinVar aggregate classification (germline): Pathogenic (1 of 4 stars; one submission).

Conditions:
Niemann-Pick disease, type C1. Also called: NIEMANN-PICK DISEASE, VARIANT TYPE C1; NIEMANN-PICK DISEASE, CHRONIC NEURONOPATHIC FORM; NEUROVISCERAL STORAGE DISEASE WITH VERTICAL SUPRANUCLEAR OPHTHALMOPLEGIA; NIEMANN-PICK DISEASE WITH CHOLESTEROL ESTERIFICATION BLOCK; NIEMANN-PICK DISEASE WITHOUT SPHINGOMYELINASE DEFICIENCY. Identifiers: Orphanet 646, MedGen C3179455, MONDO:0009757, OMIM 257220.

Allele frequency attached by ClinVar (database versions not stated): gnomAD exomes below 0.00001.

Submission:

Labcorp Genetics (formerly Invitae), Labcorp
Classification: Pathogenic for Niemann-Pick disease, type C1. Last evaluated: 2023-12-29. Review status: criteria provided, single submitter. Criteria: Invitae Variant Classification Sherloc (09022015). Collection method: clinical testing. Allele origin: germline.
Comment: This sequence change creates a premature translational stop signal (p.Pro255Argfs*60) in the NPC1 gene. It is expected to result in an absent or disrupted protein product. Loss-of-function variants in NPC1 are known to be pathogenic (PMID: 9211850). This variant is not present in population databases (gnomAD no frequency). This premature translational stop signal has been observed in individual(s) with Niemann-Pick type C (PMID: 11333381). For these reasons, this variant has been classified as Pathogenic.

Literature cited by the submitters: PubMed 9211850; PubMed 11333381.

NM_000271.5(NPC1):c.750_763dup (p.Pro255fs)

Gene: NPC1 (NPC intracellular cholesterol transporter 1; minus strand). Cytogenetic location: 18q11.2.
Variant type: Duplication.
Coding change: c.750_763dup on transcript NM_000271.5 (MANE Select); coding-DNA positions 750 to 763, 14 bases duplicated (GCCCCAGCCCCCAC).
Protein change: p.Pro255fs; shifts the reading frame from proline 255.
Molecular consequence: frameshift variant.
Genome position (GRCh38, 1-based): chr18:23,560,349-23,560,362, GTGGGGGCTGGGGC duplicated on the plus strand (GCCCCAGCCCCCAC on the coding strand, the reverse complement: NPC1 is on the minus strand). VCF-style (leftmost placement, unchanged base first): chr18-23560348-G-GGTGGGGGCTGGGGC. GRCh37 (hg19) VCF-style: chr18-21140312-G-GGTGGGGGCTGGGGC.
Other names: short protein forms P255fs.
Identifiers: ClinVar variation 2719717 (VCV002719717.3), dbSNP rs2059020261, ClinGen allele CA2290175713.
Genomic context (GRCh38, chr18:23,560,348, plus strand): 5'-GTGATCCACATGATGACATACATGGCGTCCAAGCCAAGGATCGTCCAGGGAGCAGGAGGA[G>GGTGGGGGCTGGGGC]GTGGGGGCTGGGGCTTGGGGCCACAGACAATAGAGCAGTCTTGGCAGCTACATGGTGCTG-3'